The following is an entry in ClinVar:

ClinVar aggregate classification (germline): Uncertain significance (1 of 4 stars; one submission).

Submission:

Labcorp Genetics (formerly Invitae), Labcorp
Classification: Uncertain significance. Last evaluated: 2023-10-30. Review status: criteria provided, single submitter. Criteria: Invitae Variant Classification Sherloc (09022015). Collection method: clinical testing. Allele origin: germline.
Comment: This sequence change replaces glutamine, which is neutral and polar, with histidine, which is basic and polar, at codon 610 of the LTBP2 protein (p.Gln610His). This variant is not present in population databases (gnomAD no frequency). This variant has not been reported in the literature in individuals affected with LTBP2-related conditions. ClinVar contains an entry for this variant (Variation ID: 2012614). An algorithm developed to predict the effect of missense changes on protein structure and function (PolyPhen-2) suggests that this variant is likely to be tolerated. In summary, the available evidence is currently insufficient to determine the role of this variant in disease. Therefore, it has been classified as a Variant of Uncertain Significance.

NM_000428.3(LTBP2):c.1830G>T (p.Gln610His)

Gene: LTBP2 (latent transforming growth factor beta binding protein 2; minus strand). Cytogenetic location: 14q24.3.
Variant type: single nucleotide variant.
Coding change: c.1830G>T on transcript NM_000428.3 (MANE Select); coding-DNA position 1830, G replaced by T.
Protein change: p.Gln610His; replaces glutamine 610 with histidine.
Molecular consequence: missense variant.
Genome position (GRCh38, 1-based): chr14:74,535,960, C>A on the plus strand (G>T on the coding strand, the complement: LTBP2 is on the minus strand). VCF-style: chr14-74535960-C-A. GRCh37 (hg19) VCF-style: chr14-75002663-C-A.
Other names: short protein forms Q610H.
Identifiers: ClinVar variation 2012614 (VCV002012614.4), dbSNP rs192096741, ClinGen allele CA390397791.